The following is an entry in ClinVar:

NM_177972.3(TUB):c.995T>A (p.Leu332Gln)

Genes: RIC3 (RIC3 acetylcholine receptor chaperone; minus strand), TUB (TUB bipartite transcription factor; plus strand). Cytogenetic location: 11p15.4.
Variant type: single nucleotide variant.
Coding change: c.995T>A on transcript NM_177972.3 (MANE Select); coding-DNA position 995, T replaced by A.
Protein change: p.Leu332Gln; replaces leucine 332 with glutamine.
Molecular consequence: missense variant.
Genome position (GRCh38, 1-based): chr11:8,097,823, T>A. VCF-style: chr11-8097823-T-A. GRCh37 (hg19) VCF-style: chr11-8119370-T-A.
Other names: c.1160T>A, p.Leu387Gln (NM_003320.5); short protein forms L387Q, L332Q.
Identifiers: ClinVar variation 3632067 (VCV003632067.2).

ClinVar aggregate classification (germline): Uncertain significance (1 of 4 stars; one submission).

Submission:

Labcorp Genetics (formerly Invitae), Labcorp
Classification: Uncertain significance. Last evaluated: 2024-02-24. Review status: criteria provided, single submitter. Criteria: Invitae Variant Classification Sherloc (09022015). Collection method: clinical testing. Allele origin: germline.
Comment: This sequence change replaces leucine, which is neutral and non-polar, with glutamine, which is neutral and polar, at codon 387 of the TUB protein (p.Leu387Gln). This variant is not present in population databases (gnomAD no frequency). This variant has not been reported in the literature in individuals affected with TUB-related conditions. An algorithm developed to predict the effect of missense changes on protein structure and function (PolyPhen-2) suggests that this variant is likely to be disruptive. In summary, the available evidence is currently insufficient to determine the role of this variant in disease. Therefore, it has been classified as a Variant of Uncertain Significance.